The following is an entry in ClinVar:

NM_003051.4(SLC16A1):c.61G>A (p.Ala21Thr)

Gene: SLC16A1 (solute carrier family 16 member 1; minus strand). Cytogenetic location: 1p13.2.
Variant type: single nucleotide variant.
Coding change: c.61G>A on transcript NM_003051.4 (MANE Select); coding-DNA position 61, G replaced by A.
Protein change: p.Ala21Thr; replaces alanine 21 with threonine.
Molecular consequence: missense variant.
Genome position (GRCh38, 1-based): chr1:112,929,248, C>T on the plus strand (G>A on the coding strand, the complement: SLC16A1 is on the minus strand). VCF-style: chr1-112929248-C-T. GRCh37 (hg19) VCF-style: chr1-113471870-C-T.
Other names: c.61G>A, p.Ala21Thr (NM_001166496.2); c.61G>A (NM_003051.3); short protein forms A21T.
Identifiers: ClinVar variation 1916273 (VCV001916273.6), dbSNP rs1472949689, ClinGen allele CA341826479.

ClinVar aggregate classification (germline): Uncertain significance. Review status: criteria provided, multiple submitters, no conflicts (2 of 4 stars). 2 submissions from 2 submitters: Uncertain significance (2). Last evaluated 2025-12-10.

Conditions:
Inborn genetic diseases. Identifiers: MedGen C0950123, MeSH D030342.

Allele frequency attached by ClinVar (database versions not stated): gnomAD 0.00001; gnomAD exomes 0.00001; TOPMed 0.00001.
gnomAD v4.1: 7 of 1,614,016 alleles (0.00043%); highest among the groups gnomAD compares: Non-Finnish European, 0.00059%; no homozygotes.

Submissions (2):

Ambry Genetics
Classification: Uncertain significance for Inborn genetic diseases. Last evaluated: 2025-12-10. Review status: criteria provided, single submitter. Criteria: Ambry Variant Classification Scheme 2023. Collection method: clinical testing. Allele origin: germline.

Labcorp Genetics (formerly Invitae), Labcorp
Classification: Uncertain significance. Last evaluated: 2022-12-06. Review status: criteria provided, single submitter. Criteria: Invitae Variant Classification Sherloc (09022015). Collection method: clinical testing. Allele origin: germline.
Comment: In summary, the available evidence is currently insufficient to determine the role of this variant in disease. Therefore, it has been classified as a Variant of Uncertain Significance. Algorithms developed to predict the effect of missense changes on protein structure and function (SIFT, PolyPhen-2, Align-GVGD) all suggest that this variant is likely to be tolerated. This variant has not been reported in the literature in individuals affected with SLC16A1-related conditions. This variant is present in population databases (no rsID available, gnomAD 0.002%). This sequence change replaces alanine, which is neutral and non-polar, with threonine, which is neutral and polar, at codon 21 of the SLC16A1 protein (p.Ala21Thr).